The following is an entry in ClinVar:

NM_001365536.1(SCN9A):c.3464T>A (p.Phe1155Tyr)

Genes: SCN9A (sodium voltage-gated channel alpha subunit 9; minus strand), SCN1A-AS1 (SCN1A and SCN9A antisense RNA 1; plus strand). Cytogenetic location: 2q24.3.
Variant type: single nucleotide variant.
Coding change: c.3464T>A on transcript NM_001365536.1 (MANE Select); coding-DNA position 3464, T replaced by A.
Protein change: p.Phe1155Tyr; replaces phenylalanine 1155 with tyrosine.
Molecular consequence: missense variant.
Genome position (GRCh38, 1-based): chr2:166,251,773, A>T on the plus strand (T>A on the coding strand, the complement: SCN9A is on the minus strand). VCF-style: chr2-166251773-A-T. GRCh37 (hg19) VCF-style: chr2-167108283-A-T.
Other names: c.3431T>A, p.Phe1144Tyr (NM_002977.4); short protein forms F1144Y, F1155Y.
Identifiers: ClinVar variation 289499 (VCV000289499.17), dbSNP rs750839038, ClinGen allele CA1944055.
Genomic context (GRCh38, chr2:166,251,773, plus strand): 5'-CCCCAGAACACTAATTAAGGAATGCTAACCAAGGTCTCAATTTTTGTCTTACCATCTGTG[A>T]AACAGGCCTCTGGCTCATCGGAATTCATAGGTTCAGCCTCTGCTTCTTCTCCTTCTCCAG-3'
Protein context (NP_001352465.1, residues 1145-1165): PMNSDEPEAC[Phe1155Tyr]TDGCVWRFSC

ClinVar aggregate classification (germline): Uncertain significance. Review status: criteria provided, multiple submitters, no conflicts (2 of 4 stars). 2 submissions from 2 submitters: Uncertain significance (2). Last evaluated 2023-06-16.

Conditions:
Neuropathy, hereditary sensory and autonomic, type 2A (HSAN2A). Also called: MORVAN DISEASE; NEUROPATHY, CONGENITAL SENSORY; NEUROPATHY, HEREDITARY SENSORY RADICULAR, AUTOSOMAL RECESSIVE; NEUROPATHY, HEREDITARY SENSORY, TYPE IIA; NEUROPATHY, PROGRESSIVE SENSORY, OF CHILDREN; WNK1-Related HSAN2 (HSAN2A). Identifiers: Orphanet 970, MedGen C2752089, MONDO:0024309, OMIM 201300.
Generalized epilepsy with febrile seizures plus, type 7 (GEFSP7). Also called: GEFS+, TYPE 7. Identifiers: Orphanet 36387, MedGen C2751778, MONDO:0013470, OMIM 613863.

Allele frequency attached by ClinVar (database versions not stated): gnomAD exomes below 0.00001 and 0.00001; gnomAD 0.00001; TOPMed 0.00001; ExAC 0.00002.
gnomAD v4.1: 10 of 1,612,438 alleles (0.00062%); highest among the groups gnomAD compares: Non-Finnish European, 0.00059%; no homozygotes.

Submissions (2):

Labcorp Genetics (formerly Invitae), Labcorp
Classification: Uncertain significance for Neuropathy, hereditary sensory and autonomic, type 2A; Generalized epilepsy with febrile seizures plus, type 7. Last evaluated: 2023-06-16. Review status: criteria provided, single submitter. Criteria: Invitae Variant Classification Sherloc (09022015). Collection method: clinical testing. Allele origin: germline.
Comment: This variant has not been reported in the literature in individuals affected with SCN9A-related conditions. This variant is present in population databases (rs750839038, gnomAD 0.002%). In summary, the available evidence is currently insufficient to determine the role of this variant in disease. Therefore, it has been classified as a Variant of Uncertain Significance. Advanced modeling of protein sequence and biophysical properties (such as structural, functional, and spatial information, amino acid conservation, physicochemical variation, residue mobility, and thermodynamic stability) performed at Invitae indicates that this missense variant is not expected to disrupt SCN9A protein function. ClinVar contains an entry for this variant (Variation ID: 289499). This sequence change replaces phenylalanine, which is neutral and non-polar, with tyrosine, which is neutral and polar, at codon 1144 of the SCN9A protein (p.Phe1144Tyr).

Eurofins Ntd Llc (ga)
Classification: Uncertain significance. Last evaluated: 2016-07-29. Review status: criteria provided, single submitter. Criteria: EGL Classification Definitions 2015. Collection method: clinical testing. Allele origin: germline. Observed: 1 variant allele, 1 heterozygote.